The following is an entry in ClinVar:

NM_024417.5(FDXR):c.610-12C>A

Gene: FDXR (ferredoxin reductase; minus strand). Cytogenetic location: 17q25.1.
Variant type: single nucleotide variant.
Coding change: c.610-12C>A on transcript NM_024417.5 (MANE Select); 12 bases into the intron before coding-DNA position 610, C replaced by A.
Molecular consequence: intron variant. On other transcripts: missense variant (1).
Genome position (GRCh38, 1-based): chr17:74,864,943, G>T on the plus strand (C>A on the coding strand, the complement: FDXR is on the minus strand). VCF-style: chr17-74864943-G-T. GRCh37 (hg19) VCF-style: chr17-72861065-G-T.
Other names: NC_000017.10:g.72861065G>T; c.616C>A, p.Leu206Ile (NM_004110.6); c.586-12C>A (NM_001258014.4); c.490-12C>A (NM_001258015.3); c.739-12C>A (NM_001258012.4); c.703-12C>A (NM_001258013.4); c.454-12C>A (NM_001258016.3); short protein forms L206I.
Identifiers: ClinVar variation 3046914 (VCV003046914.4), dbSNP rs148950642, ClinGen allele CA8753114.

ClinVar aggregate classification (germline): Likely benign. Review status: criteria provided, single submitter (1 of 4 stars). 2 submissions from 2 submitters: Likely benign (1). 1 of the submissions does not count toward it. Last evaluated 2024-02-16.

Conditions:
FDXR-related disorder. Also called: FDXR-related condition; FDXR-related disorders.

Allele frequency attached by ClinVar (database versions not stated): gnomAD 0.00054; TOPMed 0.00060; gnomAD exomes 0.00004; ExAC 0.00014; 1000 Genomes Project 0.00040; 1000 Genomes Project 30x 0.00047; ESP Exome Variant Server 0.00054.
gnomAD v4.1: 142 of 1,614,102 alleles (0.0088%); highest among the groups gnomAD compares: African/African-American, 0.18%; 2 homozygotes.

Submissions (3):

Blueprint Genetics
Classification: Likely benign. Last evaluated: 2024-02-16. Review status: criteria provided, single submitter. Criteria: ACMG Guidelines, 2015. Collection method: clinical testing. Allele origin: germline.

PreventionGenetics, part of Exact Sciences
Classification: Likely benign for FDXR-related condition. Last evaluated: 2023-01-19. Review status: no assertion criteria provided. Collection method: clinical testing. Allele origin: germline. Not counted in ClinVar's aggregate classification.
Comment: This variant is classified as likely benign based on ACMG/AMP sequence variant interpretation guidelines (Richards et al. 2015 PMID: 25741868, with internal and published modifications).

Dr. Peter K. Rogan Lab, Western University
No classification provided (evidence only). Condition: Acute myeloid leukemia. Review status: no classification provided. Collection method: in vitro. Allele origin: not applicable. Functional consequence: retained intron. Not counted in ClinVar's aggregate classification.